The following is an entry in ClinVar:

ClinVar aggregate classification (germline): Uncertain significance (1 of 4 stars; one submission).

Submission:

GeneDx
Classification: Uncertain significance. Last evaluated: 2026-03-17. Review status: criteria provided, single submitter. Criteria: GeneDx Variant Classification Process June 2021. Collection method: clinical testing. Allele origin: germline.
Comment: Not observed at significant frequency in large population cohorts (gnomAD); In silico analysis suggests that this missense variant does not alter protein structure/function; Has not been previously published as pathogenic or benign to our knowledge

NM_005883.3(APC2):c.5202G>T (p.Lys1734Asn)

Gene: APC2 (APC regulator of Wnt signaling pathway 2; plus strand). Cytogenetic location: 19p13.3.
Variant type: single nucleotide variant.
Coding change: c.5202G>T on transcript NM_005883.3 (MANE Select); coding-DNA position 5202, G replaced by T.
Protein change: p.Lys1734Asn; replaces lysine 1734 with asparagine.
Molecular consequence: missense variant.
Genome position (GRCh38, 1-based): chr19:1,468,503, G>T. VCF-style: chr19-1468503-G-T. GRCh37 (hg19) VCF-style: chr19-1468502-G-T.
Other names: c.5199G>T, p.Lys1733Asn (NM_001351273.1); short protein forms K1733N, K1734N.
Identifiers: ClinVar variation 5009375 (VCV005009375.1).